The following is an entry in ClinVar:

ClinVar aggregate classification (germline): Likely benign (1 of 4 stars; one submission).

Conditions:
SCYL1-related disorder. Also called: SCYL1-related condition.

gnomAD v4.1: 6 of 1,614,132 alleles (0.00037%); highest among the groups gnomAD compares: South Asian, 0.0022%; no homozygotes.

Submission:

PreventionGenetics, part of Exact Sciences
Classification: Likely benign for SCYL1-related condition. Last evaluated: 2025-01-29. Review status: criteria provided, single submitter. Criteria: ACMG Guidelines, 2015. Collection method: clinical testing. Allele origin: germline.
Comment: This variant is classified as likely benign based on ACMG/AMP sequence variant interpretation guidelines (Richards et al. 2015 PMID: 25741868, with internal and published modifications).

NM_020680.4(SCYL1):c.1938C>T (p.Asp646=)

Gene: SCYL1 (SCY1 like pseudokinase 1; plus strand). Cytogenetic location: 11q13.1.
Variant type: single nucleotide variant.
Coding change: c.1938C>T on transcript NM_020680.4 (MANE Select); coding-DNA position 1938, C replaced by T.
Protein change: p.Asp646=; no amino-acid change (aspartic acid 646 retained).
Molecular consequence: synonymous variant.
Genome position (GRCh38, 1-based): chr11:65,537,107, C>T. VCF-style: chr11-65537107-C-T. GRCh37 (hg19) VCF-style: chr11-65304578-C-T.
Other names: c.1887C>T, p.Asp629= (NM_001048218.2, NM_001425184.1, NM_001425192.1 and 4 more transcripts); c.1938C>T, p.Asp646= (NM_001411022.1, NM_001425181.1, NM_001425185.1 and 5 more transcripts); c.1935C>T, p.Asp645= (NM_001425179.1, NM_001425180.1, NM_001425182.1 and 1 more transcripts); c.1884C>T, p.Asp628= (NM_001425183.1); c.1860C>T, p.Asp620= (NM_001425187.1); c.1854C>T, p.Asp618= (NM_001425189.1); c.1824C>T, p.Asp608= (NM_001425191.1); c.1806C>T, p.Asp602= (NM_001425193.1); and 6 more.
Identifiers: ClinVar variation 4981063 (VCV004981063.1).